The following is an entry in ClinVar:

ClinVar aggregate classification (germline): Uncertain significance (1 of 4 stars; one submission).

Conditions:
Inborn genetic diseases. Identifiers: MedGen C0950123, MeSH D030342.

Submission:

Ambry Genetics
Classification: Uncertain significance for Inborn genetic diseases. Last evaluated: 2026-05-04. Review status: criteria provided, single submitter. Criteria: Ambry Variant Classification Scheme 2023. Collection method: clinical testing. Allele origin: germline.
Comment: The p.C1200G variant (also known as c.3598T>G), located in coding exon 24 of the ANKRD26 gene, results from a T to G substitution at nucleotide position 3598. The cysteine at codon 1200 is replaced by glycine, an amino acid with highly dissimilar properties. This amino acid position is conserved. In addition, this alteration is predicted to be tolerated by in silico analysis. Based on the available evidence, the clinical significance of this variant remains unclear.

NM_014915.3(ANKRD26):c.3598T>G (p.Cys1200Gly)

Gene: ANKRD26 (ankyrin repeat domain 26; minus strand). Cytogenetic location: 10p12.1.
Variant type: single nucleotide variant.
Coding change: c.3598T>G on transcript NM_014915.3 (MANE Select); coding-DNA position 3598, T replaced by G.
Protein change: p.Cys1200Gly; replaces cysteine 1200 with glycine.
Molecular consequence: missense variant.
Genome position (GRCh38, 1-based): chr10:27,034,852, A>C on the plus strand (T>G on the coding strand, the complement: ANKRD26 is on the minus strand). VCF-style: chr10-27034852-A-C. GRCh37 (hg19) VCF-style: chr10-27323781-A-C.
Other names: c.3595T>G, p.Cys1199Gly (NM_001256053.2); short protein forms C1199G, C1200G.
Identifiers: ClinVar variation 4859661 (VCV004859661.1).